The following is an entry in ClinVar:

NM_001372044.2(SHANK3):c.4719C>T (p.Ser1573=)

Gene: SHANK3 (SH3 and multiple ankyrin repeat domains 3; plus strand). Cytogenetic location: 22q13.33.
Variant type: single nucleotide variant.
Coding change: c.4719C>T on transcript NM_001372044.2 (MANE Select); coding-DNA position 4719, C replaced by T.
Protein change: p.Ser1573=; no amino-acid change (serine 1573 retained).
Molecular consequence: synonymous variant.
Genome position (GRCh38, 1-based): chr22:50,722,327, C>T. VCF-style: chr22-50722327-C-T. GRCh37 (hg19) VCF-style: chr22-51160755-C-T.
Other names: c.4494C>T, p.Ser1498= (NM_033517.1).
Identifiers: ClinVar variation 2578928 (VCV002578928.25), dbSNP rs557014005, ClinGen allele CA325580424.

ClinVar aggregate classification (germline): Likely benign (1 of 4 stars; one submission).

Allele frequency attached by ClinVar (database versions not stated): gnomAD exomes 0.00001; TOPMed 0.00001.

Submission:

CeGaT Center for Human Genetics Tuebingen
Classification: Likely benign. Last evaluated: 2023-07-01. Review status: criteria provided, single submitter. Criteria: CeGaT Center For Human Genetics Tuebingen Variant Classification Criteria Version 2. Collection method: clinical testing. Allele origin: germline. Affected: yes. Observed: 1 variant allele.
Comment: SHANK3: BP4